The following is an entry in ClinVar:

NM_000256.3(MYBPC3):c.2234A>G (p.Asp745Gly)

Gene: MYBPC3 (myosin binding protein C3; minus strand). Cytogenetic location: 11p11.2.
Variant type: single nucleotide variant.
Coding change: c.2234A>G on transcript NM_000256.3 (MANE Select); coding-DNA position 2234, A replaced by G.
Protein change: p.Asp745Gly; replaces aspartic acid 745 with glycine.
Molecular consequence: missense variant.
Genome position (GRCh38, 1-based): chr11:47,338,594, T>C on the plus strand (A>G on the coding strand, the complement: MYBPC3 is on the minus strand). VCF-style: chr11-47338594-T-C. GRCh37 (hg19) VCF-style: chr11-47360145-T-C.
Other names: short protein forms D745G.
Identifiers: ClinVar variation 30142 (VCV000030142.14), dbSNP rs727503190, ClinGen allele CA011923.

ClinVar aggregate classification (germline): Uncertain significance. Review status: criteria provided, multiple submitters, no conflicts (2 of 4 stars). 5 submissions from 5 submitters: Uncertain significance (3). 2 of the submissions do not count toward it. Last evaluated 2022-07-02.

Conditions:
Cardiomyopathy (CMYO). Also called: Cardiomyopathies. Identifiers: Orphanet 167848, MedGen C0878544, MONDO:0004994, HP:0001638. Inheritance: Various modes of inheritance.
Hypertrophic cardiomyopathy 4. Also called: Familial hypertrophic cardiomyopathy 4. Identifiers: MedGen C1861862, MONDO:0007268, OMIM 115197.
Hypertrophic cardiomyopathy. Also called: HYPERTROPHIC MYOCARDIOPATHY. Identifiers: Orphanet 217569, MedGen C0007194, MeSH D002312, MONDO:0005045, HP:0001639.

Submissions (5):

Labcorp Genetics (formerly Invitae), Labcorp
Classification: Uncertain significance for Hypertrophic cardiomyopathy. Last evaluated: 2022-07-02. Review status: criteria provided, single submitter. Criteria: Invitae Variant Classification Sherloc (09022015). Collection method: clinical testing. Allele origin: germline.
Comment: ClinVar contains an entry for this variant (Variation ID: 30142). This missense change has been observed in individuals with hypertrophic cardiomyopathy (PMID: 16199542, 21839045, 27532257, 28679633, 30984009, 33782553). This variant is not present in population databases (gnomAD no frequency). This sequence change replaces aspartic acid, which is acidic and polar, with glycine, which is neutral and non-polar, at codon 745 of the MYBPC3 protein (p.Asp745Gly). Algorithms developed to predict the effect of missense changes on protein structure and function (SIFT, PolyPhen-2, Align-GVGD) all suggest that this variant is likely to be disruptive. In summary, the available evidence is currently insufficient to determine the role of this variant in disease. Therefore, it has been classified as a Variant of Uncertain Significance. Algorithms developed to predict the effect of sequence changes on RNA splicing suggest that this variant may create or strengthen a splice site. Experimental studies have shown that this missense change affects MYBPC3 function (PMID: 26688216).

Laboratory for Molecular Medicine, Mass General Brigham Personalized Medicine
Classification: Uncertain significance. Last evaluated: 2022-05-04. Review status: criteria provided, single submitter. Criteria: ACMG Guidelines, 2015. Collection method: clinical testing. Allele origin: germline.
Comment: The p.Asp745Gly variant in MYBPC3 has been reported in 4 individuals with hypertrophic cardiomyopathy (Ingles 2005 PMID: 16199542, Maron 2012 PMID: 21839045, Kresin 2019 PMID: 30984009, LMM data). This variant has also been reported by other clinical laboratories in ClinVar (Variation ID 39098) and was absent from large population studies. In vitro functional studies provide some evidence that this variant impacts protein function, as this variant showed increased action potential in heart tissue from an HCM patient in 1 study, and displayed interference in protein folding in another (Nadvi 2016 PMID: 26688216, Flenner 2021 PMID: 33957110). Computational prediction tools and conservation analyses suggest that this variant may impact the protein, though this information is not predictive enough to determine pathogenicity. In summary, the clinical significance of this variant is uncertain. ACMG/AMP Criteria applied: PM2_Supporting, PS4_Supporting, PP3.

CHEO Genetics Diagnostic Laboratory, Children's Hospital of Eastern Ontario
Classification: Uncertain significance for Cardiomyopathy. Last evaluated: 2022-04-20. Review status: criteria provided, single submitter. Criteria: ACMG Guidelines, 2015. Collection method: clinical testing. Allele origin: germline.

Agnes Ginges Centre for Molecular Cardiology, Centenary Institute
Classification: Uncertain significance for Hypertrophic cardiomyopathy. Last evaluated: 2020-02-20. Review status: no assertion criteria provided. Collection method: research. Allele origin: germline. Inheritance: Autosomal dominant inheritance. Affected: yes. Not counted in ClinVar's aggregate classification.
Comment: The MYBPC3 Asp745Gly variant is absent from the he Genome Aggregation Database. Recently we also identified a third variant (CSRP3 Arg146Cys) of "uncertain significance". In silico tools (SIFT, PolyPhen-2, MutationTaster) support a deleterious role but is not sufficient enough to determine pathogenicity. We cannot rule out its possible role in disease but due to limited evidence, we class this variant as one of "uncertain significance".

OMIM
Classification: Pathogenic for CARDIOMYOPATHY, FAMILIAL HYPERTROPHIC, 4. Last evaluated: 2007-09-01. Review status: no assertion criteria provided. Collection method: literature only. Allele origin: germline. Not counted in ClinVar's aggregate classification.

Literature cited by the submitters: PubMed 16199542 (cited by 4 submitters); PubMed 21839045 (cited by Labcorp Genetics (formerly Invitae), Labcorp); PubMed 27532257 (cited by Labcorp Genetics (formerly Invitae), Labcorp and Agnes Ginges Centre for Molecular Cardiology, Centenary Institute); PubMed 28679633 (cited by Labcorp Genetics (formerly Invitae), Labcorp); PubMed 30984009 (cited by Labcorp Genetics (formerly Invitae), Labcorp and Agnes Ginges Centre for Molecular Cardiology, Centenary Institute); PubMed 33782553 (cited by Labcorp Genetics (formerly Invitae), Labcorp); PubMed 26688216 (cited by Labcorp Genetics (formerly Invitae), Labcorp and Agnes Ginges Centre for Molecular Cardiology, Centenary Institute); PubMed 17655857 (cited by Agnes Ginges Centre for Molecular Cardiology, Centenary Institute and OMIM); PubMed 28408708 (cited by Agnes Ginges Centre for Molecular Cardiology, Centenary Institute).